The following is an entry in ClinVar:

ClinVar aggregate classification (germline): Benign/Likely benign. Review status: criteria provided, multiple submitters, no conflicts (2 of 4 stars). 6 submissions from 6 submitters: Benign (2); Likely benign (4). Last evaluated 2026-09-01.

Conditions:
Intellectual disability-microcephaly-strabismus-behavioral abnormalities syndrome. Also called: White-Sutton Syndrome. Identifiers: Orphanet 468678, MedGen C4225351, MONDO:0014606, OMIM 616364.
Inborn genetic diseases. Identifiers: MedGen C0950123, MeSH D030342.

Allele frequency attached by ClinVar (database versions not stated): TOPMed 0.00136; 1000 Genomes Project 30x 0.00141; gnomAD 0.00146 and 0.00133; ESP Exome Variant Server 0.00154; gnomAD exomes 0.00045; ExAC 0.00046; 1000 Genomes Project 0.00100.
gnomAD v4.1: 382 of 1,570,712 alleles (0.024%); highest among the groups gnomAD compares: African/African-American, 0.47%; 1 homozygote.

Submissions (6):

CeGaT Center for Human Genetics Tuebingen
Classification: Likely benign. Last evaluated: 2026-09-01. Review status: criteria provided, single submitter. Criteria: CeGaT Center For Human Genetics Tuebingen Variant Classification Criteria Version 2. Collection method: clinical testing. Allele origin: germline. Affected: yes. Observed: 1 variant allele.
Comment: POGZ: BP4, BP7

Genome-Nilou Lab
Classification: Likely benign for Intellectual disability-microcephaly-strabismus-behavioral abnormalities syndrome. Last evaluated: 2023-04-11. Review status: criteria provided, single submitter. Criteria: ACMG Guidelines, 2015. Collection method: clinical testing. Allele origin: germline. Affected: no.

GeneDx
Classification: Benign. Last evaluated: 2021-01-18. Review status: criteria provided, single submitter. Criteria: GeneDx Variant Classification Process June 2021. Collection method: clinical testing. Allele origin: germline. Affected: yes.

Labcorp Genetics (formerly Invitae), Labcorp
Classification: Benign. Last evaluated: 2019-12-31. Review status: criteria provided, single submitter. Criteria: Invitae Variant Classification Sherloc (09022015). Collection method: clinical testing. Allele origin: germline.

Ambry Genetics
Classification: Likely benign for Inborn genetic diseases. Last evaluated: 2016-08-17. Review status: criteria provided, single submitter. Criteria: Ambry Variant Classification Scheme 2023. Collection method: clinical testing. Allele origin: germline.

Breakthrough Genomics
Classification: Likely benign. Review status: criteria provided, single submitter. Criteria: ACMG Guidelines, 2015. Collection method: not provided. Allele origin: germline. Inheritance: Autosomal dominant inheritance. Affected: yes.

NM_015100.4(POGZ):c.2634C>G (p.Ser878=)

Gene: POGZ (pogo transposable element derived with ZNF domain; minus strand). Cytogenetic location: 1q21.3.
Variant type: single nucleotide variant.
Coding change: c.2634C>G on transcript NM_015100.4 (MANE Select); coding-DNA position 2634, C replaced by G.
Protein change: p.Ser878=; no amino-acid change (serine 878 retained).
Molecular consequence: synonymous variant.
Genome position (GRCh38, 1-based): chr1:151,406,401, G>C on the plus strand (C>G on the coding strand, the complement: POGZ is on the minus strand). VCF-style: chr1-151406401-G-C. GRCh37 (hg19) VCF-style: chr1-151378877-G-C.
Other names: c.2607C>G, p.Ser869= (NM_001194937.2); c.2448C>G, p.Ser816= (NM_001194938.2); c.2349C>G, p.Ser783= (NM_145796.4); c.2475C>G, p.Ser825= (NM_207171.2).
Identifiers: ClinVar variation 588017 (VCV000588017.12), dbSNP rs138843201, ClinGen allele CA1091088.